The following is an entry in ClinVar:

ClinVar aggregate classification (germline): Uncertain significance (1 of 4 stars; one submission).

Conditions:
Charcot-Marie-Tooth disease type 4. Also called: Charcot-Marie-Tooth disease, type IV; Charcot-Marie-Tooth, Type 4. Identifiers: Orphanet 64749, MedGen C4082197, MONDO:0018995.

Submission:

Labcorp Genetics (formerly Invitae), Labcorp
Classification: Uncertain significance for Charcot-Marie-Tooth disease type 4. Last evaluated: 2022-04-12. Review status: criteria provided, single submitter. Criteria: Invitae Variant Classification Sherloc (09022015). Collection method: clinical testing. Allele origin: germline.
Comment: In summary, the available evidence is currently insufficient to determine the role of this variant in disease. Therefore, it has been classified as a Variant of Uncertain Significance. Algorithms developed to predict the effect of missense changes on protein structure and function are either unavailable or do not agree on the potential impact of this missense change (SIFT: "Deleterious"; PolyPhen-2: "Benign"; Align-GVGD: "Class C0"). This variant has not been reported in the literature in individuals affected with SBF2-related conditions. This variant is not present in population databases (gnomAD no frequency). This sequence change replaces leucine, which is neutral and non-polar, with histidine, which is basic and polar, at codon 1254 of the SBF2 protein (p.Leu1254His).

NM_030962.4(SBF2):c.3761T>A (p.Leu1254His)

Gene: SBF2 (SET binding factor 2; minus strand). Cytogenetic location: 11p15.4.
Variant type: single nucleotide variant.
Coding change: c.3761T>A on transcript NM_030962.4 (MANE Select); coding-DNA position 3761, T replaced by A.
Protein change: p.Leu1254His; replaces leucine 1254 with histidine.
Molecular consequence: missense variant.
Genome position (GRCh38, 1-based): chr11:9,829,388, A>T on the plus strand (T>A on the coding strand, the complement: SBF2 is on the minus strand). VCF-style: chr11-9829388-A-T. GRCh37 (hg19) VCF-style: chr11-9850935-A-T.
Other names: c.3761T>A, p.Leu1254His (NM_001386339.1); c.3632T>A, p.Leu1211His (NM_001386342.1); short protein forms L1211H, L1254H.
Identifiers: ClinVar variation 2125523 (VCV002125523.4), dbSNP rs762211340, ClinGen allele CA379645211.